The following is an entry in ClinVar:

ClinVar aggregate classification (germline): Uncertain significance (1 of 4 stars; one submission).

Submission:

Labcorp Genetics (formerly Invitae), Labcorp
Classification: Uncertain significance. Last evaluated: 2025-04-07. Review status: criteria provided, single submitter. Criteria: Invitae Variant Classification Sherloc (09022015). Collection method: clinical testing. Allele origin: germline.
Comment: This sequence change replaces glutamic acid, which is acidic and polar, with aspartic acid, which is acidic and polar, at codon 1591 of the SETBP1 protein (p.Glu1591Asp). This variant is not present in population databases (gnomAD no frequency). This variant has not been reported in the literature in individuals affected with SETBP1-related conditions. An algorithm developed to predict the effect of missense changes on protein structure and function (PolyPhen-2) suggests that this variant is likely to be disruptive. In summary, the available evidence is currently insufficient to determine the role of this variant in disease. Therefore, it has been classified as a Variant of Uncertain Significance.

NM_015559.3(SETBP1):c.4773G>C (p.Glu1591Asp)

Gene: SETBP1 (SET binding protein 1; plus strand). Cytogenetic location: 18q12.3.
Variant type: single nucleotide variant.
Coding change: c.4773G>C on transcript NM_015559.3 (MANE Select); coding-DNA position 4773, G replaced by C.
Protein change: p.Glu1591Asp; replaces glutamic acid 1591 with aspartic acid.
Molecular consequence: missense variant.
Genome position (GRCh38, 1-based): chr18:45,063,680, G>C. VCF-style: chr18-45063680-G-C. GRCh37 (hg19) VCF-style: chr18-42643645-G-C.
Other names: c.4773G>C, p.Glu1591Asp (NM_001379141.1, NM_001379142.1); c.4602G>C, p.Glu1534Asp (NM_001410862.1); short protein forms E1534D, E1591D.
Identifiers: ClinVar variation 4798206 (VCV004798206.1).